The following is an entry in ClinVar:

ClinVar aggregate classification (germline): Pathogenic (1 of 4 stars; one submission).

Conditions:
Neurofibromatosis, type 1 (NF1). Also called: Neurofibromatosis, type I; NEUROFIBROMATOSIS, TYPE I, SOMATIC; Peripheral type neurofibromatosis; VON RECKLINGHAUSEN DISEASE. Identifiers: Orphanet 636, MedGen C0027831, MONDO:0018975, OMIM 162200. Disease mechanism: loss of function.

Submission:

Labcorp Genetics (formerly Invitae), Labcorp
Classification: Pathogenic for Neurofibromatosis, type 1. Last evaluated: 2023-06-27. Review status: criteria provided, single submitter. Criteria: Invitae Variant Classification Sherloc (09022015). Collection method: clinical testing. Allele origin: germline.
Comment: For these reasons, this variant has been classified as Pathogenic. This variant has not been reported in the literature in individuals affected with NF1-related conditions. This sequence change creates a premature translational stop signal (p.Asn2070Lysfs*20) in the NF1 gene. It is expected to result in an absent or disrupted protein product. Loss-of-function variants in NF1 are known to be pathogenic (PMID: 10712197, 23913538). This variant is not present in population databases (gnomAD no frequency).

Literature cited by the submitters: PubMed 10712197; PubMed 23913538.

NM_001042492.3(NF1):c.6273del (p.Asn2091fs)

Gene: NF1 (neurofibromin 1; plus strand). Cytogenetic location: 17q11.2.
Variant type: Deletion.
Coding change: c.6273del on transcript NM_001042492.3 (MANE Select); coding-DNA position 6273, one base deleted (C; older notation c.6273delC).
Protein change: p.Asn2091fs; shifts the reading frame from asparagine 2091.
Molecular consequence: frameshift variant.
Genome position (GRCh38, 1-based): chr17:31,336,760, C deleted. VCF-style (leftmost placement, unchanged base first): chr17-31336759-AC-A. GRCh37 (hg19) VCF-style: chr17-29663777-AC-A.
Other names: c.6210delC, p.Asn2070Lysfs (NM_000267.4); short protein forms N2070fs, N2091fs.
Identifiers: ClinVar variation 2862770 (VCV002862770.3), dbSNP rs2508748884, ClinGen allele CA2739267417.